The following is an entry in ClinVar:

ClinVar aggregate classification (germline): Uncertain significance (1 of 4 stars; one submission).

Submission:

CeGaT Center for Human Genetics Tuebingen
Classification: Uncertain significance. Last evaluated: 2023-05-01. Review status: criteria provided, single submitter. Criteria: CeGaT Center For Human Genetics Tuebingen Variant Classification Criteria Version 2. Collection method: clinical testing. Allele origin: germline. Affected: yes. Observed: 1 variant allele.
Comment: STX1B: PM2

NM_052874.5(STX1B):c.154C>A (p.Gln52Lys)

Gene: STX1B (syntaxin 1B; minus strand). Cytogenetic location: 16p11.2.
Variant type: single nucleotide variant.
Coding change: c.154C>A on transcript NM_052874.5 (MANE Select); coding-DNA position 154, C replaced by A.
Protein change: p.Gln52Lys; replaces glutamine 52 with lysine.
Molecular consequence: missense variant.
Genome position (GRCh38, 1-based): chr16:31,001,145, G>T on the plus strand (C>A on the coding strand, the complement: STX1B is on the minus strand). VCF-style: chr16-31001145-G-T. GRCh37 (hg19) VCF-style: chr16-31012466-G-T.
Other names: short protein forms Q52K.
Identifiers: ClinVar variation 2570942 (VCV002570942.27), dbSNP rs2543967046, ClinGen allele CA395651571.